The following is an entry in ClinVar:

NM_017780.4(CHD7):c.7209del (p.Arg2404fs)

Gene: CHD7 (chromodomain helicase DNA binding protein 7; plus strand). Cytogenetic location: 8q12.2.
Variant type: Deletion.
Coding change: c.7209del on transcript NM_017780.4 (MANE Select); coding-DNA position 7209, one base deleted (G; older notation c.7209delG).
Protein change: p.Arg2404fs; shifts the reading frame from arginine 2404.
Molecular consequence: frameshift variant. On other transcripts: intron variant (1).
Genome position (GRCh38, 1-based): chr8:60,856,489, G deleted; the last of 2 consecutive G bases (chr8:60,856,488-60,856,489); deleting either gives the same sequence. VCF-style (leftmost placement, unchanged base first): chr8-60856487-AG-A. GRCh37 (hg19) VCF-style: chr8-61769046-AG-A.
Other names: c.7209delG, p.Arg2404Glyfs (NM_017780.2); c.1717-5740del (NM_001316690.1); short protein forms R2404fs.
Identifiers: ClinVar variation 3340774 (VCV003340774.1).

ClinVar aggregate classification (germline): Pathogenic (1 of 4 stars; one submission).

Submission:

GeneDx
Classification: Pathogenic. Last evaluated: 2024-02-05. Review status: criteria provided, single submitter. Criteria: GeneDx Variant Classification Process June 2021. Collection method: clinical testing. Allele origin: germline. Affected: yes.
Comment: Frameshift variant predicted to result in protein truncation or nonsense mediated decay in a gene for which loss of function is a known mechanism of disease; Not observed at significant frequency in large population cohorts (gnomAD); This variant is associated with the following publications: (PMID: 31395954)